The following is an entry in ClinVar:

ClinVar aggregate classification (germline): Uncertain significance (1 of 4 stars; one submission).

Conditions:
EP300-related disorder. Also called: EP300-related condition; EP300-related disorders.

gnomAD v4.1: 1 of 1,612,766 alleles (0.000062%); highest among the groups gnomAD compares: African/African-American, 0.0013%; no homozygotes.

Submission:

PreventionGenetics, part of Exact Sciences
Classification: Uncertain significance for EP300-related condition. Last evaluated: 2026-09-17. Review status: criteria provided, single submitter. Criteria: ACMG Guidelines, 2015. Collection method: clinical testing. Allele origin: germline.
Comment: The EP300 c.3691T>A variant is predicted to result in the amino acid substitution p.Phe1231Ile. To our knowledge, this variant has not been reported in the literature or in a large population database (gnomAD), indicating this variant is rare. At this time, the clinical significance of this variant is uncertain due to the absence of conclusive functional and genetic evidence.

NM_001429.4(EP300):c.3691T>A (p.Phe1231Ile)

Gene: EP300 (EP300 lysine acetyltransferase; plus strand). Cytogenetic location: 22q13.2.
Variant type: single nucleotide variant.
Coding change: c.3691T>A on transcript NM_001429.4 (MANE Select); coding-DNA position 3691, T replaced by A.
Protein change: p.Phe1231Ile; replaces phenylalanine 1231 with isoleucine.
Molecular consequence: missense variant.
Genome position (GRCh38, 1-based): chr22:41,162,742, T>A. VCF-style: chr22-41162742-T-A. GRCh37 (hg19) VCF-style: chr22-41558746-T-A.
Other names: c.3613T>A, p.Phe1205Ile (NM_001362843.2); short protein forms F1205I, F1231I.
Identifiers: ClinVar variation 4996177 (VCV004996177.1).